The following is an entry in ClinVar:

ClinVar aggregate classification (germline): Uncertain significance (1 of 4 stars; one submission).

Submission:

Labcorp Genetics (formerly Invitae), Labcorp
Classification: Uncertain significance. Last evaluated: 2021-10-29. Review status: criteria provided, single submitter. Criteria: Invitae Variant Classification Sherloc (09022015). Collection method: clinical testing. Allele origin: germline.
Comment: This sequence change replaces valine, which is neutral and non-polar, with isoleucine, which is neutral and non-polar, at codon 204 of the DCHS1 protein (p.Val204Ile). This variant is not present in population databases (gnomAD no frequency). This variant has not been reported in the literature in individuals affected with DCHS1-related conditions. Advanced modeling of protein sequence and biophysical properties (such as structural, functional, and spatial information, amino acid conservation, physicochemical variation, residue mobility, and thermodynamic stability) performed at Invitae indicates that this missense variant is not expected to disrupt DCHS1 protein function. In summary, the available evidence is currently insufficient to determine the role of this variant in disease. Therefore, it has been classified as a Variant of Uncertain Significance.

NM_003737.4(DCHS1):c.610G>A (p.Val204Ile)

Gene: DCHS1 (dachsous cadherin-related 1; minus strand). Cytogenetic location: 11p15.4.
Variant type: single nucleotide variant.
Coding change: c.610G>A on transcript NM_003737.4 (MANE Select); coding-DNA position 610, G replaced by A.
Protein change: p.Val204Ile; replaces valine 204 with isoleucine.
Molecular consequence: missense variant.
Genome position (GRCh38, 1-based): chr11:6,641,004, C>T on the plus strand (G>A on the coding strand, the complement: DCHS1 is on the minus strand). VCF-style: chr11-6641004-C-T. GRCh37 (hg19) VCF-style: chr11-6662235-C-T.
Other names: short protein forms V204I.
Identifiers: ClinVar variation 1441765 (VCV001441765.6), dbSNP rs2134645530, ClinGen allele CA379441543.